The following is an entry in ClinVar:

ClinVar aggregate classification (germline): Uncertain significance (1 of 4 stars; one submission).

Submission:

GeneDx
Classification: Uncertain significance. Last evaluated: 2023-12-14. Review status: criteria provided, single submitter. Criteria: GeneDx Variant Classification Process June 2021. Collection method: clinical testing. Allele origin: germline. Affected: yes.
Comment: Not observed at significant frequency in large population cohorts (gnomAD); In silico analysis supports that this missense variant has a deleterious effect on protein structure/function; Has not been previously published as pathogenic or benign to our knowledge

NM_004380.3(CREBBP):c.1480A>G (p.Asn494Asp)

Gene: CREBBP (CREB binding protein; minus strand). Cytogenetic location: 16p13.3.
Variant type: single nucleotide variant.
Coding change: c.1480A>G on transcript NM_004380.3 (MANE Select); coding-DNA position 1480, A replaced by G.
Protein change: p.Asn494Asp; replaces asparagine 494 with aspartic acid.
Molecular consequence: missense variant.
Genome position (GRCh38, 1-based): chr16:3,782,777, T>C on the plus strand (A>G on the coding strand, the complement: CREBBP is on the minus strand). VCF-style: chr16-3782777-T-C. GRCh37 (hg19) VCF-style: chr16-3832778-T-C.
Other names: c.1366A>G, p.Asn456Asp (NM_001079846.1); short protein forms N456D, N494D.
Identifiers: ClinVar variation 3365816 (VCV003365816.1).